The following is an entry in ClinVar:

NM_032776.3(JMJD1C):c.6514G>A (p.Asp2172Asn)

Gene: JMJD1C (jumonji domain containing 1C; minus strand). Cytogenetic location: 10q21.3.
Variant type: single nucleotide variant.
Coding change: c.6514G>A on transcript NM_032776.3 (MANE Select); coding-DNA position 6514, G replaced by A.
Protein change: p.Asp2172Asn; replaces aspartic acid 2172 with asparagine.
Molecular consequence: missense variant. On other transcripts: non-coding transcript variant (1).
Genome position (GRCh38, 1-based): chr10:63,189,224, C>T on the plus strand (G>A on the coding strand, the complement: JMJD1C is on the minus strand). VCF-style: chr10-63189224-C-T. GRCh37 (hg19) VCF-style: chr10-64948984-C-T.
Other names: c.5968G>A, p.Asp1990Asn (NM_001282948.2, NM_001318154.2); c.5650G>A, p.Asp1884Asn (NM_001318153.2); c.6400G>A, p.Asp2134Asn (NM_001322252.2); c.5857G>A, p.Asp1953Asn (NM_001322254.2, NM_001322258.2); short protein forms D1990N, D1884N, D2134N, D2172N, D1953N.
Identifiers: ClinVar variation 2122037 (VCV002122037.4), dbSNP rs2492399934, ClinGen allele CA377023670.

ClinVar aggregate classification (germline): Uncertain significance (1 of 4 stars; one submission).

Conditions:
Early Myoclonic Encephalopathy. Identifiers: MedGen C0270855.

Submission:

Labcorp Genetics (formerly Invitae), Labcorp
Classification: Uncertain significance for Early Myoclonic Encephalopathy. Last evaluated: 2022-04-06. Review status: criteria provided, single submitter. Criteria: Invitae Variant Classification Sherloc (09022015). Collection method: clinical testing. Allele origin: germline.
Comment: In summary, the available evidence is currently insufficient to determine the role of this variant in disease. Therefore, it has been classified as a Variant of Uncertain Significance. Algorithms developed to predict the effect of missense changes on protein structure and function are either unavailable or do not agree on the potential impact of this missense change (SIFT: "Deleterious"; PolyPhen-2: "Probably Damaging"; Align-GVGD: "Class C15"). This variant has not been reported in the literature in individuals affected with JMJD1C-related conditions. This variant is not present in population databases (gnomAD no frequency). This sequence change replaces aspartic acid, which is acidic and polar, with asparagine, which is neutral and polar, at codon 2172 of the JMJD1C protein (p.Asp2172Asn).